The following is an entry in ClinVar:

ClinVar aggregate classification (germline): Benign/Likely benign. Review status: criteria provided, multiple submitters, no conflicts (2 of 4 stars). 3 submissions from 3 submitters: Benign (1); Likely benign (2). Last evaluated 2024-05-29.

Conditions:
Hereditary cancer-predisposing syndrome. Also called: Neoplastic Syndromes, Hereditary; Tumor predisposition; Hereditary neoplastic syndrome; Hereditary Cancer Syndrome. Identifiers: Orphanet 140162, MedGen C0027672, MeSH D009386, MONDO:0015356.
Familial adenomatous polyposis 1 (FAP1). Also called: POLYPOSIS, ADENOMATOUS INTESTINAL; FAMILIAL ADENOMATOUS POLYPOSIS 1, ATTENUATED. Identifiers: MedGen C2713442, MONDO:0021056, OMIM 175100. Disease mechanism: loss of function.

Submissions (3):

Ambry Genetics
Classification: Likely benign for Hereditary cancer-predisposing syndrome. Last evaluated: 2024-05-29. Review status: criteria provided, single submitter. Criteria: Ambry Variant Classification Scheme 2023. Collection method: clinical testing. Allele origin: germline.

Labcorp Genetics (formerly Invitae), Labcorp
Classification: Likely benign for Familial adenomatous polyposis 1. Last evaluated: 2024-04-02. Review status: criteria provided, single submitter. Criteria: Invitae Variant Classification Sherloc (09022015). Collection method: clinical testing. Allele origin: germline.

Myriad Genetics, Inc.
Classification: Benign for Familial adenomatous polyposis 1. Last evaluated: 2024-03-12. Review status: criteria provided, single submitter. Criteria: Myriad Autosomal Dominant, Autosomal Recessive and X-Linked Classification Criteria (2023). Collection method: clinical testing. Allele origin: unknown.
Comment: This variant is considered benign. This variant is a silent/synonymous amino acid change and it is not expected to impact splicing.

NM_000038.6(APC):c.2406C>T (p.Asp802=)

Gene: APC (APC regulator of Wnt signaling pathway; plus strand). Cytogenetic location: 5q22.2.
Variant type: single nucleotide variant.
Coding change: c.2406C>T on transcript NM_000038.6 (MANE Select); coding-DNA position 2406, C replaced by T.
Protein change: p.Asp802=; no amino-acid change (aspartic acid 802 retained).
Molecular consequence: synonymous variant. On other transcripts: non-coding transcript variant (2).
Genome position (GRCh38, 1-based): chr5:112,838,000, C>T. VCF-style: chr5-112838000-C-T. GRCh37 (hg19) VCF-style: chr5-112173697-C-T.
Other names: c.2406C>T (NM_000038.5); c.2406C>T, p.Asp802= (NM_001127510.3, NM_001354895.2, NM_001407450.1); c.2352C>T, p.Asp784= (NM_001127511.3); c.2460C>T, p.Asp820= (NM_001354896.2, NM_001407447.1, NM_001407448.1 and 1 more transcripts); c.2436C>T, p.Asp812= (NM_001354897.2); c.2331C>T, p.Asp777= (NM_001354898.2); c.2322C>T, p.Asp774= (NM_001354899.2); c.2283C>T, p.Asp761= (NM_001354900.2); and 12 more.
Identifiers: ClinVar variation 3147991 (VCV003147991.4), dbSNP rs2149868534, ClinGen allele CA445963453.
Genomic context (GRCh38, chr5:112,838,000, plus strand): 5'-GGCATCTCATCGTAGTAAGCAGAGACACAAGCAAAGTCTCTATGGTGATTATGTTTTTGA[C>T]ACCAATCGACATGATGATAATAGGTCAGACAATTTTAATACTGGCAACATGACTGTCCTT-3'
Protein context (NP_000029.2, residues 792-812): KQSLYGDYVF[Asp802=]TNRHDDNRSD